The following is an entry in ClinVar:

ClinVar aggregate classification (germline): Uncertain significance (1 of 4 stars; one submission).

gnomAD v4.1: 1 of 1,605,998 alleles (0.000062%); highest among the groups gnomAD compares: Non-Finnish European, 0.000085%; no homozygotes.

Submission:

Dasa
Classification: Uncertain significance. Last evaluated: 2025-11-25. Review status: criteria provided, single submitter. Criteria: DASA Assertion Criteria. Collection method: clinical testing. Allele origin: germline.
Comment: NM_032217.5(ANKRD17):c.7430C>A (p.Pro2477His) is a missense variant that results in the substitution of proline with histidine. This variant is rare in population databases. Computational prediction algorithms are consistent with a benign effect. The currently available literature and clinical evidence are not sufficient to establish a definitive association between this variant and the reported condition. Therefore, this variant is classified as a variant of uncertain significance.

NM_032217.5(ANKRD17):c.7430C>A (p.Pro2477His)

Gene: ANKRD17 (ankyrin repeat domain 17; minus strand). Cytogenetic location: 4q13.3.
Variant type: single nucleotide variant.
Coding change: c.7430C>A on transcript NM_032217.5 (MANE Select); coding-DNA position 7430, C replaced by A.
Protein change: p.Pro2477His; replaces proline 2477 with histidine.
Molecular consequence: missense variant.
Genome position (GRCh38, 1-based): chr4:73,077,512, G>T on the plus strand (C>A on the coding strand, the complement: ANKRD17 is on the minus strand). VCF-style: chr4-73077512-G-T. GRCh37 (hg19) VCF-style: chr4-73943229-G-T.
Other names: c.7427C>A, p.Pro2476His (NM_015574.2); c.6677C>A, p.Pro2226His (NM_198889.3); c.7091C>A, p.Pro2364His (NM_001286771.3); short protein forms P2226H, P2364H, P2476H, P2477H.
Identifiers: ClinVar variation 4880931 (VCV004880931.2).